The following is an entry in ClinVar:

NM_001372.4(DNAH9):c.11335C>T (p.Arg3779Ter)

Gene: DNAH9 (dynein axonemal heavy chain 9; plus strand). Cytogenetic location: 17p12.
Variant type: single nucleotide variant.
Coding change: c.11335C>T on transcript NM_001372.4 (MANE Select); coding-DNA position 11335, C replaced by T.
Protein change: p.Arg3779Ter; replaces arginine 3779 with a stop codon.
Molecular consequence: nonsense.
Genome position (GRCh38, 1-based): chr17:11,894,425, C>T. VCF-style: chr17-11894425-C-T. GRCh37 (hg19) VCF-style: chr17-11797742-C-T.
Other names: c.271C>T, p.Arg91Ter (NM_004662.2); short protein forms R91*, R3779*.
Identifiers: ClinVar variation 3704527 (VCV003704527.3).

ClinVar aggregate classification (germline): Pathogenic/Likely pathogenic. Review status: criteria provided, multiple submitters, no conflicts (2 of 4 stars). 2 submissions from 2 submitters: Pathogenic (1); Likely pathogenic (1). Last evaluated 2024-12-28.

Conditions:
DNAH9-related disorder. Also called: DNAH9-related condition.

gnomAD v4.1: 56 of 1,614,126 alleles (0.0035%); highest among the groups gnomAD compares: Non-Finnish European, 0.0045%; no homozygotes.

Submissions (2):

Labcorp Genetics (formerly Invitae), Labcorp
Classification: Pathogenic. Last evaluated: 2024-12-28. Review status: criteria provided, single submitter. Criteria: Invitae Variant Classification Sherloc (09022015). Collection method: clinical testing. Allele origin: germline.
Comment: This sequence change creates a premature translational stop signal (p.Arg3779*) in the DNAH9 gene. It is expected to result in an absent or disrupted protein product. Loss-of-function variants in DNAH9 are known to be pathogenic (PMID: 30471718). This variant is present in population databases (rs779176965, gnomAD 0.005%). This variant has not been reported in the literature in individuals affected with DNAH9-related conditions. For these reasons, this variant has been classified as Pathogenic.

Blueprint Genetics
Classification: Likely pathogenic for DNAH9-related disorders. Last evaluated: 2022-11-29. Review status: criteria provided, single submitter. Criteria: ACMG Guidelines, 2015. Collection method: clinical testing. Allele origin: germline. Affected: yes. Observed: 4 variant alleles.

Literature cited by the submitters: PubMed 30471718 (cited by Labcorp Genetics (formerly Invitae), Labcorp).